The following is an entry in ClinVar:

NM_004369.4(COL6A3):c.5326G>T (p.Val1776Phe)

Gene: COL6A3 (collagen type VI alpha 3 chain; minus strand). Cytogenetic location: 2q37.3.
Variant type: single nucleotide variant.
Coding change: c.5326G>T on transcript NM_004369.4 (MANE Select); coding-DNA position 5326, G replaced by T.
Protein change: p.Val1776Phe; replaces valine 1776 with phenylalanine.
Molecular consequence: missense variant.
Genome position (GRCh38, 1-based): chr2:237,366,861, C>A on the plus strand (G>T on the coding strand, the complement: COL6A3 is on the minus strand). VCF-style: chr2-237366861-C-A. GRCh37 (hg19) VCF-style: chr2-238275504-C-A.
Other names: c.3505G>T, p.Val1169Phe (NM_057166.5); c.4708G>T, p.Val1570Phe (NM_057167.4); short protein forms V1776F, V1570F, V1169F.
Identifiers: ClinVar variation 476534 (VCV000476534.3), dbSNP rs754788931, ClinGen allele CA2188693.

ClinVar aggregate classification (germline): Uncertain significance (1 of 4 stars; one submission).

Conditions:
Bethlem myopathy 1A. Also called: Bethlem Muscular Dystrophy; MYOPATHY, BENIGN CONGENITAL, WITH CONTRACTURES; Bethlem myopathy 1. Identifiers: Orphanet 610, MedGen CN029274, MONDO:0024530, OMIM 158810.

Allele frequency attached by ClinVar (database versions not stated): gnomAD exomes 0.00001; ExAC 0.00002; TOPMed 0.00002; gnomAD 0.00003.
gnomAD v4.1: 17 of 1,614,144 alleles (0.0011%); highest among the groups gnomAD compares: African/African-American, 0.0027%; no homozygotes.

Submission:

Labcorp Genetics (formerly Invitae), Labcorp
Classification: Uncertain significance for Bethlem myopathy 1A. Last evaluated: 2025-12-21. Review status: criteria provided, single submitter. Criteria: Invitae Variant Classification Sherloc (09022015). Collection method: clinical testing. Allele origin: germline.
Comment: This sequence change replaces valine, which is neutral and non-polar, with phenylalanine, which is neutral and non-polar, at codon 1776 of the COL6A3 protein (p.Val1776Phe). This variant is present in population databases (rs754788931, gnomAD 0.007%). This variant has not been reported in the literature in individuals affected with COL6A3-related conditions. ClinVar contains an entry for this variant (Variation ID: 476534). Invitae Evidence Modeling of protein sequence and biophysical properties (such as structural, functional, and spatial information, amino acid conservation, physicochemical variation, residue mobility, and thermodynamic stability) has been performed for this missense variant. However, the output from this modeling did not meet the statistical confidence thresholds required to predict the impact of this variant on COL6A3 protein function. In summary, the available evidence is currently insufficient to determine the role of this variant in disease. Therefore, it has been classified as a Variant of Uncertain Significance.